The following is an entry in ClinVar:

ClinVar aggregate classification (germline): Likely benign. Review status: criteria provided, multiple submitters, no conflicts (2 of 4 stars). 3 submissions from 3 submitters: Likely benign (3). Last evaluated 2025-11-12.

Conditions:
Cardiovascular phenotype. Identifiers: MedGen CN230736.
Long QT syndrome (LQTS). Identifiers: MedGen C0023976, MeSH D008133, MONDO:0002442. Disease mechanism: loss of function. Inheritance: Various modes of inheritance.

Allele frequency attached by ClinVar (database versions not stated): gnomAD exomes below 0.00001; TOPMed below 0.00001.
gnomAD v4.1: 4 of 1,613,982 alleles (0.00025%); highest among the groups gnomAD compares: Non-Finnish European, 0.00034%; no homozygotes.

Submissions (3):

Labcorp Genetics (formerly Invitae), Labcorp
Classification: Likely benign for Long QT syndrome. Last evaluated: 2025-11-12. Review status: criteria provided, single submitter. Criteria: Invitae Variant Classification Sherloc (09022015). Collection method: clinical testing. Allele origin: germline.

Molecular Diagnostic Laboratory for Inherited Cardiovascular Disease, Montreal Heart Institute
Classification: Likely benign. Last evaluated: 2025-04-09. Review status: criteria provided, single submitter. Criteria: ACMG Guidelines, 2015. Collection method: clinical testing. Allele origin: germline. Affected: no.
Comment: BP6;BP7

Ambry Genetics
Classification: Likely benign for Cardiovascular phenotype. Last evaluated: 2025-03-02. Review status: criteria provided, single submitter. Criteria: Ambry Variant Classification Scheme 2023. Collection method: clinical testing. Allele origin: germline.

NM_000719.7(CACNA1C):c.3240G>A (p.Glu1080=)

Gene: CACNA1C (calcium voltage-gated channel subunit alpha1 C; plus strand). Cytogenetic location: 12p13.33.
Variant type: single nucleotide variant.
Coding change: c.3240G>A on transcript NM_000719.7 (MANE Select); coding-DNA position 3240, G replaced by A.
Protein change: p.Glu1080=; no amino-acid change (glutamic acid 1080 retained).
Molecular consequence: synonymous variant.
Genome position (GRCh38, 1-based): chr12:2,607,014, G>A. VCF-style: chr12-2607014-G-A. GRCh37 (hg19) VCF-style: chr12-2716180-G-A.
Other names: c.3300G>A (NM_199460.3); c.3300G>A, p.Glu1100= (NM_001129827.2, NM_001129832.2, NM_199460.4); c.3240G>A, p.Glu1080= (NM_001129829.2, NM_001129830.3, NM_001129831.2 and 15 more transcripts); c.3231G>A, p.Glu1077= (NM_001129844.2).
Identifiers: ClinVar variation 456961 (VCV000456961.11), dbSNP rs1555882488, ClinGen allele CA477899884.